The following is an entry in ClinVar:

ClinVar aggregate classification (germline): Uncertain significance (1 of 4 stars; one submission).

Submission:

CeGaT Center for Human Genetics Tuebingen
Classification: Uncertain significance. Last evaluated: 2026-07-01. Review status: criteria provided, single submitter. Criteria: CeGaT Center For Human Genetics Tuebingen Variant Classification Criteria Version 2. Collection method: clinical testing. Allele origin: germline. Affected: yes. Observed: 1 variant allele.
Comment: PPP2R2B: PM2, PP2

NM_181675.4(PPP2R2B):c.1109A>G (p.Lys370Arg)

Genes: PPP2R2B (protein phosphatase 2 regulatory subunit Bbeta; minus strand), PPP2R2B-AS2 (PPP2R2B antisense RNA 2; plus strand). Cytogenetic location: 5q32.
Variant type: single nucleotide variant.
Coding change: c.1109A>G on transcript NM_181675.4 (MANE Select); coding-DNA position 1109, A replaced by G.
Protein change: p.Lys370Arg; replaces lysine 370 with arginine.
Molecular consequence: missense variant.
Genome position (GRCh38, 1-based): chr5:146,590,170, T>C on the plus strand (A>G on the coding strand, the complement: PPP2R2B is on the minus strand). VCF-style: chr5-146590170-T-C. GRCh37 (hg19) VCF-style: chr5-145969733-T-C.
Other names: c.1127A>G, p.Lys376Arg (NM_001271899.1); c.1283A>G, p.Lys428Arg (NM_001271900.2); c.1076A>G, p.Lys359Arg (NM_001271948.2, NM_181678.2); c.1109A>G, p.Lys370Arg (NM_001428277.1, NM_001428279.1); c.1307A>G, p.Lys436Arg (NM_181674.3); c.1118A>G, p.Lys373Arg (NM_181676.3); c.1049A>G, p.Lys350Arg (NM_181677.2); short protein forms K350R, K359R, K370R, K373R, K376R, K428R, K436R.
Identifiers: ClinVar variation 5040002 (VCV005040002.1).